The following is an entry in ClinVar:

NM_024009.3(GJB3):c.546C>T (p.Thr182=)

Gene: GJB3 (gap junction protein beta 3; plus strand). Cytogenetic location: 1p34.3.
Variant type: single nucleotide variant.
Coding change: c.546C>T on transcript NM_024009.3 (MANE Select); coding-DNA position 546, C replaced by T.
Protein change: p.Thr182=; no amino-acid change (threonine 182 retained).
Molecular consequence: synonymous variant.
Genome position (GRCh38, 1-based): chr1:34,785,308, C>T. VCF-style: chr1-34785308-C-T. GRCh37 (hg19) VCF-style: chr1-35250909-C-T.
Other names: c.546C>T, p.Thr182= (NM_001005752.2).
Identifiers: ClinVar variation 163534 (VCV000163534.30), dbSNP rs370947069, ClinGen allele CA176169.
Genomic context (GRCh38, chr1:34,785,308, plus strand): 5'-GCAGTGTGCCAACGTGGCCCCCTGCCCCAACATCGTGGACTGCTACATTGCCCGACCTAC[C>T]GAGAAGAAAATCTTCACCTACTTCATGGTGGGCGCCTCCGCCGTCTGCATCGTACTCACC-3'
Protein context (NP_076872.1, residues 172-192): NIVDCYIARP[Thr182=]EKKIFTYFMV

ClinVar aggregate classification (germline): Likely benign. Review status: criteria provided, multiple submitters, no conflicts (2 of 4 stars). 4 submissions from 4 submitters: Likely benign (4). Last evaluated 2024-11-19.

Allele frequency attached by ClinVar (database versions not stated): gnomAD 0.00006; TOPMed 0.00007; ESP Exome Variant Server 0.00008.

Submissions (4):

Labcorp Genetics (formerly Invitae), Labcorp
Classification: Likely benign. Last evaluated: 2024-11-19. Review status: criteria provided, single submitter. Criteria: Invitae Variant Classification Sherloc (09022015). Collection method: clinical testing. Allele origin: germline.

CeGaT Center for Human Genetics Tuebingen
Classification: Likely benign. Last evaluated: 2023-04-01. Review status: criteria provided, single submitter. Criteria: CeGaT Center For Human Genetics Tuebingen Variant Classification Criteria Version 2. Collection method: clinical testing. Allele origin: germline. Affected: yes. Observed: 1 variant allele.
Comment: GJB3: BP4, BP7

GeneDx
Classification: Likely benign. Last evaluated: 2021-05-25. Review status: criteria provided, single submitter. Criteria: GeneDx Variant Classification Process June 2021. Collection method: clinical testing. Allele origin: germline. Affected: yes.
Comment: See Variant Classification Assertion Criteria.

Laboratory for Molecular Medicine, Mass General Brigham Personalized Medicine
Classification: Likely benign. Last evaluated: 2013-08-15. Review status: criteria provided, single submitter. Criteria: LMM Criteria. Collection method: clinical testing. Allele origin: germline. Observed: 1 variant allele.
Comment: Thr182Thr in exon 2 of GJB3: This variant has been identified in 0.01% (1/8600) of European American chromosomes by the NHLBI Exome Sequencing Project and is not expected to have clinical significance bec ause it does not alter an amino acid residue and it is not located within the sp lice consensus sequence.